The following is an entry in ClinVar:

ClinVar aggregate classification (germline): Conflicting classifications of pathogenicity. Review status: criteria provided, conflicting classifications (1 of 4 stars). 4 submissions from 4 submitters: Likely pathogenic (2); Uncertain significance (2). Last evaluated 2026-01-09.

Conditions:
Hereditary cancer-predisposing syndrome. Also called: Hereditary neoplastic syndrome; Tumor predisposition; Hereditary Cancer Syndrome; Neoplastic Syndromes, Hereditary. Identifiers: Orphanet 140162, MedGen C0027672, MeSH D009386, MONDO:0015356.
POLE-related polyposis and colorectal cancer syndrome. Identifiers: MedGen CN324030, MONDO:0100287.

Allele frequency attached by ClinVar (database versions not stated): TOPMed 0.00001; gnomAD exomes 0.00001.
gnomAD v4.1: 5 of 1,550,396 alleles (0.00032%); highest among the groups gnomAD compares: Middle Eastern, 0.019%; no homozygotes.

Submissions (4):

Ambry Genetics
Classification: Uncertain significance for Hereditary cancer-predisposing syndrome. Last evaluated: 2026-01-09. Review status: criteria provided, single submitter. Criteria: Ambry Variant Classification Scheme 2023. Collection method: clinical testing. Allele origin: germline.
Comment: The c.5173+1G>T intronic variant results from a G to T substitution one nucleotide after coding exon 38 of the POLE gene. This nucleotide position is highly conserved in available vertebrate species. In silico splice site analysis predicts that this alteration will weaken the native splice donor site and will result in the creation or strengthening of a novel splice donor site. Alterations that disrupt the canonical splice site are expected to cause aberrant splicing, resulting in an abnormal protein or a transcript that is subject to nonsense-mediated mRNA decay. Although biallelic loss of function of POLE has been associated with autosomal recessive POLE deficiency, haploinsufficiency of POLE has not been established as a mechanism of disease for POLE-related polymerase proofreading-associated polyposis (PPAP) and POLE-related CMMRD-like syndrome. Based on the supporting evidence, this variant is expected to be causative of POLE deficiency when present along with a second pathogenic variant on the other allele; however, its clinical significance for PPAP and POLE-related CMMRD-like syndrome is unclear.

Labcorp Genetics (formerly Invitae), Labcorp
Classification: Likely pathogenic. Last evaluated: 2025-12-22. Review status: criteria provided, single submitter. Criteria: Invitae Variant Classification Sherloc (09022015). Collection method: clinical testing. Allele origin: germline.
Comment: This sequence change affects a donor splice site in intron 38 of the POLE gene. RNA analysis indicates that disruption of this splice site induces altered splicing and may result in an absent or altered protein product. This variant is not present in population databases (gnomAD no frequency). This variant has not been reported in the literature in individuals affected with POLE-related conditions. ClinVar contains an entry for this variant (Variation ID: 405829). Studies have shown that disruption of this splice site results in retention of intron 38, and produces a non-functional protein and/or introduces a premature termination codon (internal data). In summary, the currently available evidence indicates that the variant is pathogenic, but additional data are needed to prove that conclusively. Therefore, this variant has been classified as Likely Pathogenic.

Dasa
Classification: Uncertain significance for POLE-related polyposis and colorectal cancer syndrome. Last evaluated: 2025-09-12. Review status: criteria provided, single submitter. Criteria: DASA Assertion Criteria. Collection method: clinical testing. Allele origin: germline.
Comment: NM_006231.4(POLE):c.5173+1G>T affects a canonical splice site and is predicted to disrupt normal RNA splicing. Published studies describe this variant in association with related phenotype (PMID: 23230001; PMID: 32792570). Also, this variant is rare in population databases. The currently available literature and clinical evidence are not sufficient to establish a definitive association between this variant and the reported condition. Therefore, this variant is classified as a variant of uncertain significance.

Rady Children's Institute for Genomic Medicine, Rady Children's Hospital San Diego
Classification: Likely pathogenic for POLE-related polyposis and colorectal cancer syndrome. Last evaluated: 2025-01-06. Review status: criteria provided, single submitter. Criteria: ACMG Guidelines, 2015. Collection method: clinical testing. Allele origin: germline. Affected: yes.
Comment: This variant affects the canonical splice donor site of intron 38 and is therefore predicted to interfere with splicing and result in loss of normal protein function through either protein truncation or nonsense-mediated mRNA decay. This variant has not been previously reported or functionally characterized in the literature to our knowledge. The c.5173+1G>T variant is present in the latest version of the gnomAD population database at an allele frequency of 0.0003% (5/1550396) and thus is presumed to be rare. Based on the available evidence, c.5173+1G>T is classified as Likely Pathogenic.

Literature cited by the submitters: PubMed 23230001 (cited by Dasa); PubMed 32792570 (cited by Dasa).

NM_006231.4(POLE):c.5173+1G>T

Gene: POLE (DNA polymerase epsilon, catalytic subunit; minus strand). Cytogenetic location: 12q24.33.
Variant type: single nucleotide variant.
Coding change: c.5173+1G>T on transcript NM_006231.4 (MANE Select); the canonical splice donor site of the intron after coding-DNA position 5173, G replaced by T.
Molecular consequence: splice donor variant.
Genome position (GRCh38, 1-based): chr12:132,642,176, C>A on the plus strand (G>T on the coding strand, the complement: POLE is on the minus strand). VCF-style: chr12-132642176-C-A. GRCh37 (hg19) VCF-style: chr12-133218762-C-A.
Identifiers: ClinVar variation 405829 (VCV000405829.20), dbSNP rs1060500866, ClinGen allele CA16613803.